The following is an entry in ClinVar:

ClinVar aggregate classification (germline): Likely benign. Review status: criteria provided, multiple submitters, no conflicts (2 of 4 stars). 3 submissions from 3 submitters: Likely benign (2). 1 of the submissions does not count toward it. Last evaluated 2024-02-07.

Conditions:
Dystonia 12 (DYT12). Also called: Rapid-Onset Dystonia-Parkinsonism (RDP); DYT-ATP1A3. Identifiers: Orphanet 71517, MedGen C1868681, MONDO:0007496, OMIM 128235.
ATP1A3-related disorder. Also called: ATP1A3-related disorders; ATP1A3-related condition. Identifiers: MedGen CN381097.

Allele frequency attached by ClinVar (database versions not stated): gnomAD exomes 0.00002; TOPMed 0.00002; ExAC 0.00003; gnomAD 0.00003.

Submissions (3):

Labcorp Genetics (formerly Invitae), Labcorp
Classification: Likely benign for Dystonia 12. Last evaluated: 2024-02-07. Review status: criteria provided, single submitter. Criteria: Invitae Variant Classification Sherloc (09022015). Collection method: clinical testing. Allele origin: germline.

Blueprint Genetics
Classification: Likely benign. Last evaluated: 2022-08-17. Review status: criteria provided, single submitter. Criteria: ACMG Guidelines, 2015. Collection method: clinical testing. Allele origin: germline.

PreventionGenetics, part of Exact Sciences
Classification: Likely benign for ATP1A3-related condition. Last evaluated: 2021-11-02. Review status: no assertion criteria provided. Collection method: clinical testing. Allele origin: germline. Not counted in ClinVar's aggregate classification.
Comment: This variant is classified as likely benign based on ACMG/AMP sequence variant interpretation guidelines (Richards et al. 2015 PMID: 25741868, with internal and published modifications).

NM_152296.5(ATP1A3):c.1773C>T (p.Asp591=)

Gene: ATP1A3 (ATPase Na+/K+ transporting subunit alpha 3; minus strand). Cytogenetic location: 19q13.2.
Variant type: single nucleotide variant.
Coding change: c.1773C>T on transcript NM_152296.5 (MANE Select); coding-DNA position 1773, C replaced by T.
Protein change: p.Asp591=; no amino-acid change (aspartic acid 591 retained).
Molecular consequence: synonymous variant.
Genome position (GRCh38, 1-based): chr19:41,978,184, G>A on the plus strand (C>T on the coding strand, the complement: ATP1A3 is on the minus strand). VCF-style: chr19-41978184-G-A. GRCh37 (hg19) VCF-style: chr19-42482336-G-A.
Other names: c.1812C>T (NM_001256214.1); c.1806C>T, p.Asp602= (NM_001256213.2); c.1812C>T, p.Asp604= (NM_001256214.2).
Identifiers: ClinVar variation 742882 (VCV000742882.11), dbSNP rs782220233, ClinGen allele CA9467571.